The following is an entry in ClinVar:

ClinVar aggregate classification (germline): Uncertain significance. Review status: criteria provided, multiple submitters, no conflicts (2 of 4 stars). 3 submissions from 3 submitters: Uncertain significance (3). Last evaluated 2024-04-17.

Conditions:
Inborn genetic diseases. Identifiers: MedGen C0950123, MeSH D030342.

Allele frequency attached by ClinVar (database versions not stated): ExAC 0.00001; gnomAD exomes 0.00001; gnomAD 0.00003 and 0.00004; TOPMed 0.00005.

Submissions (3):

Ambry Genetics
Classification: Uncertain significance for Inborn genetic diseases. Last evaluated: 2024-04-17. Review status: criteria provided, single submitter. Criteria: Ambry Variant Classification Scheme 2023. Collection method: clinical testing. Allele origin: germline.

Labcorp Genetics (formerly Invitae), Labcorp
Classification: Uncertain significance. Last evaluated: 2024-02-24. Review status: criteria provided, single submitter. Criteria: Invitae Variant Classification Sherloc (09022015). Collection method: clinical testing. Allele origin: germline.
Comment: This sequence change replaces arginine, which is basic and polar, with tryptophan, which is neutral and slightly polar, at codon 134 of the ORC1 protein (p.Arg134Trp). This variant is present in population databases (rs587780413, gnomAD 0.004%). This variant has not been reported in the literature in individuals affected with ORC1-related conditions. ClinVar contains an entry for this variant (Variation ID: 129862). An algorithm developed to predict the effect of missense changes on protein structure and function (PolyPhen-2) suggests that this variant is likely to be disruptive. In summary, the available evidence is currently insufficient to determine the role of this variant in disease. Therefore, it has been classified as a Variant of Uncertain Significance.

Genetic Services Laboratory, University of Chicago
Classification: Uncertain significance. Last evaluated: 2014-03-03. Review status: criteria provided, single submitter. Criteria: ACMG Guidelines, 2007. Collection method: clinical testing. Allele origin: germline. Inheritance: Autosomal recessive inheritance.

NM_004153.4(ORC1):c.400C>T (p.Arg134Trp)

Gene: ORC1 (origin recognition complex subunit 1; minus strand). Cytogenetic location: 1p32.3.
Variant type: single nucleotide variant.
Coding change: c.400C>T on transcript NM_004153.4 (MANE Select); coding-DNA position 400, C replaced by T.
Protein change: p.Arg134Trp; replaces arginine 134 with tryptophan.
Molecular consequence: missense variant.
Genome position (GRCh38, 1-based): chr1:52,397,687, G>A on the plus strand (C>T on the coding strand, the complement: ORC1 is on the minus strand). VCF-style: chr1-52397687-G-A. GRCh37 (hg19) VCF-style: chr1-52863359-G-A.
Other names: c.400C>T, p.Arg134Trp (NM_001190818.2, NM_001190819.2); short protein forms R134W.
Identifiers: ClinVar variation 129862 (VCV000129862.14), dbSNP rs587780413, ClinGen allele CA231366.